The following is an entry in ClinVar:

NM_001042492.3(NF1):c.2093del (p.Pro698fs)

Gene: NF1 (neurofibromin 1; plus strand). Cytogenetic location: 17q11.2.
Variant type: Deletion.
Coding change: c.2093del on transcript NM_001042492.3 (MANE Select); coding-DNA position 2093, one base deleted (C; older notation c.2093delC).
Protein change: p.Pro698fs; shifts the reading frame from proline 698.
Molecular consequence: frameshift variant.
Genome position (GRCh38, 1-based): chr17:31,226,526, C deleted; the last of 3 consecutive C bases (chr17:31,226,524-31,226,526); deleting any one gives the same sequence. VCF-style (leftmost placement, unchanged base first): chr17-31226523-AC-A. GRCh37 (hg19) VCF-style: chr17-29553541-AC-A.
Other names: c.2093delC, p.Pro698Leufs (NM_000267.4); short protein forms P698fs.
Identifiers: ClinVar variation 2108157 (VCV002108157.4), dbSNP rs2508155934, ClinGen allele CA2580093145.

ClinVar aggregate classification (germline): Pathogenic (1 of 4 stars; one submission).

Conditions:
Neurofibromatosis, type 1 (NF1). Also called: Peripheral type neurofibromatosis; NEUROFIBROMATOSIS, TYPE I, SOMATIC; VON RECKLINGHAUSEN DISEASE; Neurofibromatosis, type I. Identifiers: Orphanet 636, MedGen C0027831, MONDO:0018975, OMIM 162200. Disease mechanism: loss of function.

Submission:

Labcorp Genetics (formerly Invitae), Labcorp
Classification: Pathogenic for Neurofibromatosis, type 1. Last evaluated: 2022-03-30. Review status: criteria provided, single submitter. Criteria: Invitae Variant Classification Sherloc (09022015). Collection method: clinical testing. Allele origin: germline.
Comment: For these reasons, this variant has been classified as Pathogenic. This variant has not been reported in the literature in individuals affected with NF1-related conditions. This variant is not present in population databases (gnomAD no frequency). This sequence change creates a premature translational stop signal (p.Pro698Leufs*50) in the NF1 gene. It is expected to result in an absent or disrupted protein product. Loss-of-function variants in NF1 are known to be pathogenic (PMID: 10712197, 23913538).

Literature cited by the submitters: PubMed 10712197; PubMed 23913538.